The following is an entry in ClinVar:

NM_001205293.3(CACNA1E):c.659C>A (p.Pro220His)

Gene: CACNA1E (calcium voltage-gated channel subunit alpha1 E; plus strand). Cytogenetic location: 1q25.3.
Variant type: single nucleotide variant.
Coding change: c.659C>A on transcript NM_001205293.3 (MANE Select); coding-DNA position 659, C replaced by A.
Protein change: p.Pro220His; replaces proline 220 with histidine.
Molecular consequence: missense variant.
Genome position (GRCh38, 1-based): chr1:181,579,114, C>A. VCF-style: chr1-181579114-C-A. GRCh37 (hg19) VCF-style: chr1-181548250-C-A.
Other names: c.659C>A, p.Pro220His (NM_000721.4, NM_001205294.2); short protein forms P220H.
Identifiers: ClinVar variation 2443453 (VCV002443453.1), dbSNP rs2527316451, ClinGen allele CA343847007.

ClinVar aggregate classification (germline): Uncertain significance (1 of 4 stars; one submission).

Submission:

GeneDx
Classification: Uncertain significance. Last evaluated: 2022-09-09. Review status: criteria provided, single submitter. Criteria: GeneDx Variant Classification Process June 2021. Collection method: clinical testing. Allele origin: germline. Affected: yes.
Comment: Not observed at significant frequency in large population cohorts (gnomAD); In silico analysis supports that this missense variant has a deleterious effect on protein structure/function; Has not been previously published as pathogenic or benign to our knowledge